The following is an entry in ClinVar:

NM_000051.4(ATM):c.1794T>C (p.Ile598=)

Gene: ATM (ATM serine/threonine kinase; plus strand). Cytogenetic location: 11q22.3.
Variant type: single nucleotide variant.
Coding change: c.1794T>C on transcript NM_000051.4 (MANE Select); coding-DNA position 1794, T replaced by C.
Protein change: p.Ile598=; no amino-acid change (isoleucine 598 retained).
Molecular consequence: synonymous variant.
Genome position (GRCh38, 1-based): chr11:108,252,023, T>C. VCF-style: chr11-108252023-T-C. GRCh37 (hg19) VCF-style: chr11-108122750-T-C.
Other names: c.1794T>C, p.Ile598= (NM_001351834.2).
Identifiers: ClinVar variation 184969 (VCV000184969.19), dbSNP rs786201830, ClinGen allele CA190621.

ClinVar aggregate classification (germline): Benign/Likely benign. Review status: criteria provided, multiple submitters, no conflicts (2 of 4 stars). 4 submissions from 4 submitters: Benign (1); Likely benign (3). Last evaluated 2025-12-14.

Conditions:
Hereditary cancer-predisposing syndrome. Also called: Tumor predisposition; Hereditary Cancer Syndrome; Hereditary neoplastic syndrome; Neoplastic Syndromes, Hereditary. Identifiers: Orphanet 140162, MedGen C0027672, MeSH D009386, MONDO:0015356.
Familial cancer of breast. Also called: BREAST CANCER, FAMILIAL; hereditary breast carcinoma; Hereditary breast cancer. Identifiers: Orphanet 227535, MedGen C0346153, MONDO:0016419, OMIM 114480. Disease mechanism: loss of function.
Ataxia-telangiectasia syndrome (AT). Also called: LOUIS-BAR SYNDROME; Cerebello-oculocutaneous telangiectasia; Immunodeficiency with ataxia telangiectasia; ATAXIA-TELANGIECTASIA, COMPLEMENTATION GROUP A; ATAXIA-TELANGIECTASIA, FRESNO VARIANT; Ataxia-telangiectasia. Identifiers: Orphanet 100, MedGen C0004135, MONDO:0008840, OMIM 208900.

Submissions (4):

Labcorp Genetics (formerly Invitae), Labcorp
Classification: Likely benign for Ataxia-telangiectasia syndrome. Last evaluated: 2025-12-14. Review status: criteria provided, single submitter. Criteria: Invitae Variant Classification Sherloc (09022015). Collection method: clinical testing. Allele origin: germline.

Myriad Genetics, Inc.
Classification: Benign for Familial cancer of breast. Last evaluated: 2024-05-01. Review status: criteria provided, single submitter. Criteria: Myriad Autosomal Dominant, Autosomal Recessive and X-Linked Classification Criteria (2023). Collection method: clinical testing. Allele origin: unknown.
Comment: This variant is considered benign. This variant is a silent/synonymous amino acid change and it is not expected to impact splicing.

Color Diagnostics, LLC DBA Color Health
Classification: Likely benign for Hereditary cancer-predisposing syndrome. Last evaluated: 2017-06-12. Review status: criteria provided, single submitter. Criteria: ACMG Guidelines, 2015. Collection method: clinical testing. Allele origin: germline.

Ambry Genetics
Classification: Likely benign for Hereditary cancer-predisposing syndrome. Last evaluated: 2014-12-22. Review status: criteria provided, single submitter. Criteria: Ambry Variant Classification Scheme 2023. Collection method: clinical testing. Allele origin: germline.